The following is an entry in ClinVar:

ClinVar aggregate classification (germline): Likely benign. Review status: criteria provided, multiple submitters, no conflicts (2 of 4 stars). 2 submissions from 2 submitters: Likely benign (2). Last evaluated 2026-02-06.

Conditions:
NXF5-related disorder. Also called: NXF5-related condition.

Allele frequency attached by ClinVar (database versions not stated): gnomAD exomes 0.00022 and 0.00059; ExAC 0.00060; gnomAD 0.00085 and 0.00091; TOPMed 0.00106; ESP Exome Variant Server 0.00123; 1000 Genomes Project 30x 0.00146; 1000 Genomes Project 0.00159.

Submissions (2):

PreventionGenetics, part of Exact Sciences
Classification: Likely benign for NXF5-related condition. Last evaluated: 2026-02-06. Review status: criteria provided, single submitter. Criteria: ACMG Guidelines, 2015. Collection method: clinical testing. Allele origin: germline.
Comment: This variant is classified as likely benign based on ACMG/AMP sequence variant interpretation guidelines (Richards et al. 2015 PMID: 25741868, with internal and published modifications).

Labcorp Genetics (formerly Invitae), Labcorp
Classification: Likely benign. Last evaluated: 2025-12-30. Review status: criteria provided, single submitter. Criteria: Invitae Variant Classification Sherloc (09022015). Collection method: clinical testing. Allele origin: germline.

NC_000023.11:g.101841512T>C

Gene: NXF5 (nuclear RNA export factor 5; minus strand). Cytogenetic location: Xq22.1.
Variant type: single nucleotide variant.
Molecular consequence: non-coding transcript variant (on NR_028089.1).
Genome position: GRCh38 VCF-style: chrX-101841512-T-C. GRCh37 (hg19) VCF-style: chrX-101096484-T-C.
Other names: NM_032946.2:c.287A>G.
Identifiers: ClinVar variation 736878 (VCV000736878.10), dbSNP rs142009656, ClinGen allele CA10474678.